The following is an entry in ClinVar:

NM_198578.4(LRRK2):c.266T>C (p.Ile89Thr)

Gene: LRRK2 (leucine rich repeat kinase 2; plus strand). Cytogenetic location: 12q12.
Variant type: single nucleotide variant.
Coding change: c.266T>C on transcript NM_198578.4 (MANE Select); coding-DNA position 266, T replaced by C.
Protein change: p.Ile89Thr; replaces isoleucine 89 with threonine.
Molecular consequence: missense variant.
Genome position (GRCh38, 1-based): chr12:40,232,302, T>C. VCF-style: chr12-40232302-T-C. GRCh37 (hg19) VCF-style: chr12-40626104-T-C.
Other names: short protein forms I89T.
Identifiers: ClinVar variation 2567445 (VCV002567445.2), dbSNP rs1941238544, ClinGen allele CA384401381.

ClinVar aggregate classification (germline): Uncertain significance (1 of 4 stars; one submission).

Conditions:
Inborn genetic diseases. Identifiers: MedGen C0950123, MeSH D030342.

Allele frequency attached by ClinVar (database versions not stated): TOPMed below 0.00001.

Submission:

Ambry Genetics
Classification: Uncertain significance for Inborn genetic diseases. Last evaluated: 2023-06-14. Review status: criteria provided, single submitter. Criteria: Ambry Variant Classification Scheme 2023. Collection method: clinical testing. Allele origin: germline.
Comment: The p.I89T variant (also known as c.266T>C), located in coding exon 3 of the LRRK2 gene, results from a T to C substitution at nucleotide position 266. The isoleucine at codon 89 is replaced by threonine, an amino acid with similar properties. This amino acid position is conserved. In addition, the in silico prediction for this alteration is inconclusive. Since supporting evidence is limited at this time, the clinical significance of this alteration remains unclear.